The following is an entry in ClinVar:

NM_198252.3(GSN):c.163G>A (p.Gly55Arg)

Gene: GSN (gelsolin; plus strand). Cytogenetic location: 9q33.2.
Variant type: single nucleotide variant.
Coding change: c.163G>A on transcript NM_198252.3 (MANE Select); coding-DNA position 163, G replaced by A.
Protein change: p.Gly55Arg; replaces glycine 55 with arginine.
Molecular consequence: missense variant. On other transcripts: intron variant (1).
Genome position (GRCh38, 1-based): chr9:121,302,134, G>A. VCF-style: chr9-121302134-G-A. GRCh37 (hg19) VCF-style: chr9-124064412-G-A.
Other names: c.316G>A, p.Gly106Arg (NM_000177.5); c.163G>A, p.Gly55Arg (NM_001127662.2, NM_001127664.2, NM_001127665.2 and 10 more transcripts); c.271G>A, p.Gly91Arg (NM_001127663.2); c.196G>A, p.Gly66Arg (NM_001127666.2, NM_001127667.2, NM_001353063.2 and 13 more transcripts); c.214G>A, p.Gly72Arg (NM_001258029.2); c.187G>A, p.Gly63Arg (NM_001258030.2); c.235G>A, p.Gly79Arg (NM_001353076.2); c.-458-777G>A (NM_001353078.2); short protein forms G106R, G66R, G55R, G63R, G72R, G91R, G79R.
Identifiers: ClinVar variation 364798 (VCV000364798.5), dbSNP rs556563870, ClinGen allele CA5220778.

ClinVar aggregate classification (germline): Benign (1 of 4 stars; one submission).

Conditions:
Finnish type amyloidosis. Also called: AMYLOID CRANIAL NEUROPATHY WITH LATTICE CORNEAL DYSTROPHY; AMYLOIDOSIS DUE TO MUTANT GELSOLIN; Lattice corneal dystrophy associated with familial systemic amyloidosis; Meretoja's syndrome; Lattice dystrophy of the cornea with hereditary generalized amyloidosis; Amyloidosis, familial, Finnish type. Identifiers: Orphanet 85448, MedGen C1622345, MONDO:0007097, OMIM 105120.

Allele frequency attached by ClinVar (database versions not stated): gnomAD 0.00001; gnomAD exomes 0.00001; TOPMed 0.00001; ExAC 0.00002; 1000 Genomes Project 30x 0.00016; 1000 Genomes Project 0.00020.
gnomAD v4.1: 19 of 1,614,182 alleles (0.0012%); highest among the groups gnomAD compares: East Asian, 0.0022%; no homozygotes.

Submission:

Illumina Laboratory Services, Illumina
Classification: Benign for Finnish type amyloidosis. Last evaluated: 2018-01-12. Review status: criteria provided, single submitter. Criteria: ICSL Variant Classification Criteria 13 December 2019. Collection method: clinical testing. Allele origin: germline.
Comment: This variant was observed in the ICSL laboratory as part of a predisposition screen in an ostensibly healthy population. It had not been previously curated by ICSL or reported in the Human Gene Mutation Database (HGMD: prior to June 1st, 2018), and was therefore a candidate for classification through an automated scoring system. Utilizing variant allele frequency, disease prevalence and penetrance estimates, and inheritance mode, an automated score was calculated to assess if this variant is too frequent to cause the disease. Based on the score and internal cut-off values, a variant classified as benign is not then subjected to further curation. The score for this variant resulted in a classification of benign for this disease.